The following is an entry in ClinVar:

NM_001003800.2(BICD2):c.1636_1638del (p.Asn546del)

Gene: BICD2 (BICD cargo adaptor 2; minus strand). Cytogenetic location: 9q22.31.
Variant type: Deletion.
Coding change: c.1636_1638del on transcript NM_001003800.2 (MANE Select); coding-DNA positions 1636 to 1638, 3 bases deleted (AAT; older notation c.1636_1638delAAT).
Protein change: p.Asn546del; deletes asparagine 546.
Molecular consequence: inframe deletion.
Genome position (GRCh38, 1-based): chr9:92,719,007-92,719,009, ATT deleted on the plus strand (AAT on the coding strand, the reverse complement: BICD2 is on the minus strand). VCF-style (leftmost placement, unchanged base first): chr9-92719006-CATT-C. GRCh37 (hg19) VCF-style: chr9-95481288-CATT-C.
Other names: c.1636_1638del, p.Asn546del (NM_015250.4); c.1636_1638delAAT (NM_001003800.1); short protein forms N546del.
Identifiers: ClinVar variation 422408 (VCV000422408.9), dbSNP rs1064795760, ClinGen allele CA16618869.

ClinVar aggregate classification (germline): Pathogenic/Likely pathogenic. Review status: criteria provided, multiple submitters, no conflicts (2 of 4 stars). 4 submissions from 4 submitters: Pathogenic (2); Likely pathogenic (1). 1 of the submissions does not count toward it. Last evaluated 2022-08-10.

Conditions:
Spinal muscular atrophy, lower extremity-predominant, 2b, prenatal onset, autosomal dominant. Also called: Spinal muscular atrophy, lower extremity-predominant, 2B, autosomal dominant. Identifiers: MedGen C4749003, MONDO:0032660, OMIM 618291.
Macrocephaly. Also called: large head; Macrocephalus. Identifiers: MedGen C2243051, HP:0000256.
Decreased fetal movement. Identifiers: MedGen C0235659, HP:0001558.
Cerebral cortical atrophy. Identifiers: MedGen C4551583, HP:0002120.
Downturned corners of mouth. Identifiers: MedGen C1866195, HP:0002714.
Recurrent fractures. Identifiers: MedGen C0016655, HP:0002757.
Tapered finger. Also called: Tapering fingers; Tapered fingers. Identifiers: MedGen C0426886, HP:0001182.
Arthrogryposis multiplex congenita (AMC). Also called: Guérin-Stern syndrome; Congenital multiple arthrogryposis; Fibrous ankylosis of multiple joints; Congenital arthromyodysplasia; Myodystrophia fetalis deformans; Otto syndrome. Identifiers: Orphanet 1037, MedGen C5779613, MeSH D001176, MONDO:0015168, HP:0002804.
Open mouth. Identifiers: MedGen C0240379, HP:0000194.
Muscle weakness. Identifiers: MedGen C0151786, HP:0001324.
EEG abnormality. Also called: EEG abnormalities; Electroencephalogram (EEG) abnormalities. Identifiers: MedGen C0151611, HP:0002353.
Seizure. Also called: Seizures. Identifiers: MedGen C0036572, HP:0001250.
Feeding difficulties. Also called: Poor feeding. Identifiers: MedGen C0232466, HP:0011968.
Absent speech. Also called: Absent speech development. Identifiers: MedGen C1854882, HP:0001344.
Muscular atrophy. Also called: Muscle atrophy; Skeletal muscle atrophy. Identifiers: MedGen C0541794, MONDO:0004323, HP:0003202.
Inborn genetic diseases. Identifiers: MedGen C0950123, MeSH D030342.

Submissions (4):

GeneDx
Classification: Pathogenic. Last evaluated: 2022-08-10. Review status: criteria provided, single submitter. Criteria: GeneDx Variant Classification Process June 2021. Collection method: clinical testing. Allele origin: germline. Affected: yes.
Comment: Not observed at significant frequency in large population cohorts (gnomAD); In-frame deletion of 1 amino acid in a non-repeat region; In silico analysis supports a deleterious effect on protein structure/function; This variant is associated with the following publications: (PMID: 33547725, 30054298)

Ambry Genetics
Classification: Pathogenic for Inborn genetic diseases. Last evaluated: 2019-07-19. Review status: criteria provided, single submitter. Criteria: Ambry exome assertion method (8-5-2015). Collection method: clinical testing. Allele origin: germline. Affected: yes. Observed: 1 variant allele.

Institute for Genomic Medicine, Nationwide Children's Hospital
Classification: Likely pathogenic for Arthrogryposis multiplex congenita; Muscular atrophy; Muscle weakness; Recurrent fractures; Feeding difficulties; Macrocephaly; Open mouth; Downturned corners of mouth; Tapered finger; EEG abnormality; Seizure; Cerebral cortical atrophy; Absent speech; Decreased fetal movement. Last evaluated: 2018-04-04. Review status: criteria provided, single submitter. Criteria: ACMG Guidelines, 2015. Collection method: research. Allele origin: de novo. Inheritance: Autosomal dominant inheritance. Affected: yes. Observed: 1 variant allele, 1 heterozygote.
Comment: The c.1636_1638delAAT variant results in an in-frame 3 base pair deletion and is predicted to cause loss of an evolutionarily conserved Asparagine residue in a non-repetitive region of the protein (p.Asn546del). It has not been reported in large population cohorts such as gnomAD. In silico modeling suggests that removing the Asn546 disrupts protein secondary structure in a region that has been shown (in mice) to bind KIF5A. We therefore interpret the variant as likely pathogenic.

OMIM
Classification: Pathogenic for SPINAL MUSCULAR ATROPHY, LOWER EXTREMITY-PREDOMINANT, 2B, PRENATAL ONSET, AUTOSOMAL DOMINANT. Last evaluated: 2019-01-30. Review status: no assertion criteria provided. Collection method: literature only. Allele origin: germline. Not counted in ClinVar's aggregate classification.

Literature cited by the submitters: PubMed 30054298 (cited by Ambry Genetics and OMIM).